The following is an entry in ClinVar:

NM_000554.6(CRX):c.488G>A (p.Trp163Ter)

Gene: CRX (cone-rod homeobox; plus strand). Cytogenetic location: 19q13.33.
Variant type: single nucleotide variant.
Coding change: c.488G>A on transcript NM_000554.6 (MANE Select); coding-DNA position 488, G replaced by A.
Protein change: p.Trp163Ter; replaces tryptophan 163 with a stop codon.
Molecular consequence: nonsense.
Genome position (GRCh38, 1-based): chr19:47,839,555, G>A. VCF-style: chr19-47839555-G-A. GRCh37 (hg19) VCF-style: chr19-48342812-G-A.
Other names: short protein forms W163*.
Identifiers: ClinVar variation 2109639 (VCV002109639.4), dbSNP rs2514256097, ClinGen allele CA406630814.
Genomic context (GRCh38, chr19:47,839,555, plus strand): 5'-GTCCCCCTCTGCCCGGCCCCTCAGGCTCCCCAACCACGGCAGTGGCCACTGTGTCCATCT[G>A]GAGCCCAGCCTCAGAGTCCCCTTTGCCTGAGGCGCAGCGGGCTGGGCTGGTGGCCTCAGG-3'

ClinVar aggregate classification (germline): Pathogenic (1 of 4 stars; one submission).

Conditions:
Leber congenital amaurosis 7 (LCA7). Identifiers: Orphanet 65, MedGen C3151192, MONDO:0013449, OMIM 613829.
Cone-rod dystrophy 2 (CORD2). Also called: CONE-ROD RETINAL DYSTROPHY; Cone-rod retinal dystrophy 2. Identifiers: Orphanet 1872, MedGen C3489532, MONDO:0007362, OMIM 120970.

Submission:

Labcorp Genetics (formerly Invitae), Labcorp
Classification: Pathogenic for Cone-rod dystrophy 2; Leber congenital amaurosis 7. Last evaluated: 2024-04-17. Review status: criteria provided, single submitter. Criteria: Invitae Variant Classification Sherloc (09022015). Collection method: clinical testing. Allele origin: germline.
Comment: This sequence change creates a premature translational stop signal (p.Trp163*) in the CRX gene. While this is not anticipated to result in nonsense mediated decay, it is expected to disrupt the last 137 amino acid(s) of the CRX protein. This variant is not present in population databases (gnomAD no frequency). This premature translational stop signal has been observed in individual(s) with autosomal dominant Leber congenital amaurosis (Invitae). ClinVar contains an entry for this variant (Variation ID: 2109639). This variant disrupts a region of the CRX protein in which other variant(s) (p.Tyr258*) have been determined to be pathogenic (PMID: 22968130, 25270190). This suggests that this is a clinically significant region of the protein, and that variants that disrupt it are likely to be disease-causing. For these reasons, this variant has been classified as Pathogenic.

Literature cited by the submitters: PubMed 22968130; PubMed 25270190.